The following is an entry in ClinVar:

ClinVar aggregate classification (germline): Uncertain significance (1 of 4 stars; one submission).

Submission:

GeneDx
Classification: Uncertain significance. Last evaluated: 2024-12-06. Review status: criteria provided, single submitter. Criteria: GeneDx Variant Classification Process June 2021. Collection method: clinical testing. Allele origin: germline. Affected: yes.
Comment: Not observed at significant frequency in large population cohorts (gnomAD); In-frame deletion of 2 amino acid(s) and insertion of 1 different amino acid(s) in a non-repeat region; In silico analysis indicates that this variant does not alter protein structure/function; Has not been previously published as pathogenic or benign to our knowledge

NM_032436.4(CHAMP1):c.518_521delinsT (p.Ser173_Pro174delinsPhe)

Gene: CHAMP1 (chromosome alignment maintaining phosphoprotein 1; plus strand). Cytogenetic location: 13q34.
Variant type: Indel.
Coding change: c.518_521delinsT on transcript NM_032436.4 (MANE Select); coding-DNA positions 518 to 521, CTCC replaced by T.
Protein change: p.Ser173_Pro174delinsPhe.
Molecular consequence: inframe indel.
Genome position (GRCh38, 1-based): chr13:114,324,360-114,324,363, CTCC replaced by T. VCF-style: chr13-114324360-CTCC-T. GRCh37 (hg19) VCF-style: chr13-115089835-CTCC-T.
Other names: c.518_521delinsT, p.Ser173_Pro174delinsPhe (NM_001164144.3, NM_001164145.3).
Identifiers: ClinVar variation 3901560 (VCV003901560.1).